The following is an entry in ClinVar:

NM_000135.4(FANCA):c.3550C>G (p.Arg1184Gly)

Gene: FANCA (FA complementation group A; minus strand). Cytogenetic location: 16q24.3.
Variant type: single nucleotide variant.
Coding change: c.3550C>G on transcript NM_000135.4 (MANE Select); coding-DNA position 3550, C replaced by G.
Protein change: p.Arg1184Gly; replaces arginine 1184 with glycine.
Molecular consequence: missense variant.
Genome position (GRCh38, 1-based): chr16:89,745,035, G>C on the plus strand (C>G on the coding strand, the complement: FANCA is on the minus strand). VCF-style: chr16-89745035-G-C. GRCh37 (hg19) VCF-style: chr16-89811443-G-C.
Other names: c.3550C>G, p.Arg1184Gly (NM_001286167.3); short protein forms R1184G.
Identifiers: ClinVar variation 4022132 (VCV004022132.1).

ClinVar aggregate classification (germline): Uncertain significance (1 of 4 stars; one submission).

Conditions:
Inborn genetic diseases. Identifiers: MedGen C0950123, MeSH D030342.

Submission:

Ambry Genetics
Classification: Uncertain significance for Inborn genetic diseases. Last evaluated: 2025-03-30. Review status: criteria provided, single submitter. Criteria: Ambry Variant Classification Scheme 2023. Collection method: clinical testing. Allele origin: germline.
Comment: The p.R1184G variant (also known as c.3550C>G), located in coding exon 36 of the FANCA gene, results from a C to G substitution at nucleotide position 3550. The arginine at codon 1184 is replaced by glycine, an amino acid with dissimilar properties. This amino acid position is conserved. In addition, the in silico prediction for this alteration is inconclusive. Based on the available evidence, the clinical significance of this variant remains unclear.